The following is an entry in ClinVar:

NM_012144.4(DNAI1):c.978A>C (p.Gln326His)

Gene: DNAI1 (dynein axonemal intermediate chain 1; plus strand). Cytogenetic location: 9p13.3.
Variant type: single nucleotide variant.
Coding change: c.978A>C on transcript NM_012144.4 (MANE Select); coding-DNA position 978, A replaced by C.
Protein change: p.Gln326His; replaces glutamine 326 with histidine.
Molecular consequence: missense variant.
Genome position (GRCh38, 1-based): chr9:34,500,798, A>C. VCF-style: chr9-34500798-A-C. GRCh37 (hg19) VCF-style: chr9-34500796-A-C.
Other names: c.990A>C, p.Gln330His (NM_001281428.2); c.978A>C (NM_012144.2); short protein forms Q326H, Q330H.
Identifiers: ClinVar variation 240859 (VCV000240859.31), dbSNP rs16931555, ClinGen allele CA5034240.

ClinVar aggregate classification (germline): Benign/Likely benign. Review status: criteria provided, multiple submitters, no conflicts (2 of 4 stars). 9 submissions from 9 submitters: Benign (4); Likely benign (4). 1 of the submissions does not count toward it. Last evaluated 2026-01-31.

Conditions:
Kartagener syndrome (CILD1). Also called: IMMOTILE CILIA SYNDROME; POLYNESIAN BRONCHIECTASIS; SIEWERT SYNDROME; CILIARY DYSKINESIA, PRIMARY, 1; CILIARY DYSKINESIA, PRIMARY, 1, WITH OR WITHOUT SITUS INVERSUS; Dextrocardia bronchiectasis and sinusitis. Identifiers: Orphanet 244, MedGen C4551906, MONDO:0009484, OMIM 244400.
Primary ciliary dyskinesia. Also called: Ciliary dyskinesia. Identifiers: Orphanet 244, MedGen C0008780, MONDO:0016575, HP:0012265.

Allele frequency attached by ClinVar (database versions not stated): gnomAD exomes 0.00093 and 0.00248; ExAC 0.00305; 1000 Genomes Project 30x 0.00953; gnomAD 0.00980 and 0.01063; 1000 Genomes Project 0.01018; TOPMed 0.01118; ESP Exome Variant Server 0.01161.
gnomAD v4.1: 2,928 of 1,614,112 alleles (0.18%); highest among the groups gnomAD compares: African/African-American, 3.3%; 56 homozygotes.

Submissions (9):

Labcorp Genetics (formerly Invitae), Labcorp
Classification: Benign for Primary ciliary dyskinesia. Last evaluated: 2026-01-31. Review status: criteria provided, single submitter. Criteria: Invitae Variant Classification Sherloc (09022015). Collection method: clinical testing. Allele origin: germline.

Mayo Clinic Laboratories, Mayo Clinic
Classification: Benign. Last evaluated: 2025-04-10. Review status: criteria provided, single submitter. Criteria: ACMG Guidelines, 2015. Collection method: clinical testing. Allele origin: germline. Observed: 2 variant alleles.
Comment: BS1, BS2

GeneDx
Classification: Likely benign. Last evaluated: 2023-08-07. Review status: criteria provided, single submitter. Criteria: GeneDx Variant Classification Process June 2021. Collection method: clinical testing. Allele origin: germline. Affected: yes.
Comment: See Variant Classification Assertion Criteria.

Fulgent Genetics
Classification: Likely benign for Kartagener syndrome. Last evaluated: 2021-10-26. Review status: criteria provided, single submitter. Criteria: ACMG Guidelines, 2015. Collection method: clinical testing. Allele origin: unknown.

Illumina Laboratory Services, Illumina
Classification: Likely benign for Kartagener syndrome. Last evaluated: 2018-01-13. Review status: criteria provided, single submitter. Criteria: ICSL Variant Classification Criteria 13 December 2019. Collection method: clinical testing. Allele origin: germline.
Comment: This variant was observed in the ICSL laboratory as part of a predisposition screen in an ostensibly healthy population. It had not been previously curated by ICSL or reported in the Human Gene Mutation Database (HGMD: prior to June 1st, 2018), and was therefore a candidate for classification through an automated scoring system. Utilizing variant allele frequency, disease prevalence and penetrance estimates, and inheritance mode, an automated score was calculated to assess if this variant is too frequent to cause the disease. Based on the score and internal cut-off values, a variant classified as likely benign is not then subjected to further curation. The score for this variant resulted in a classification of likely benign for this disease.

Ambry Genetics
Classification: Benign for Primary ciliary dyskinesia. Last evaluated: 2015-08-10. Review status: criteria provided, single submitter. Criteria: Ambry Variant Classification Scheme 2023. Collection method: clinical testing. Allele origin: germline.

Breakthrough Genomics
Classification: Likely benign. Review status: criteria provided, single submitter. Criteria: ACMG Guidelines, 2015. Collection method: not provided. Allele origin: germline. Inheritance: Autosomal recessive inheritance. Affected: yes.

PreventionGenetics, part of Exact Sciences
Classification: Benign. Review status: criteria provided, single submitter. Criteria: ACMG Guidelines, 2015. Collection method: clinical testing. Allele origin: germline.

Natera, Inc.
Classification: Benign for Primary ciliary dyskinesia. Last evaluated: 2019-11-11. Review status: no assertion criteria provided. Collection method: clinical testing. Allele origin: germline. Not counted in ClinVar's aggregate classification.